The following is an entry in ClinVar:

ClinVar aggregate classification (germline): Uncertain significance. Review status: criteria provided, single submitter (1 of 4 stars). 2 submissions from 2 submitters: Uncertain significance (1). 1 of the submissions does not count toward it. Last evaluated 2021-09-01.

Conditions:
Niemann-Pick disease, type A. Also called: SPHINGOMYELIN LIPIDOSIS; SPHINGOMYELINASE DEFICIENCY; Infantile Neurovisceral ASMD (Niemann-Pick Disease Type A; NPD-A). Identifiers: Orphanet 77292, MedGen C0268242, MONDO:0009756, OMIM 257200. Disease mechanism: loss of function.
Niemann-Pick disease, type B. Also called: Chronic Visceral ASMD (Niemann-Pick Disease Type B; NPD-B). Identifiers: Orphanet 77293, MedGen C0268243, MONDO:0011871, OMIM 607616. Disease mechanism: loss of function.

Allele frequency attached by ClinVar (database versions not stated): gnomAD exomes below 0.00001 and 0.00001; ExAC 0.00001.
gnomAD v4.1: 2 of 1,614,156 alleles (0.00012%); highest among the groups gnomAD compares: Admixed American, 0.0017%; no homozygotes.

Submissions (2):

Labcorp Genetics (formerly Invitae), Labcorp
Classification: Uncertain significance for Niemann-Pick disease, type B; Niemann-Pick disease, type A. Last evaluated: 2021-09-01. Review status: criteria provided, single submitter. Criteria: Invitae Variant Classification Sherloc (09022015). Collection method: clinical testing. Allele origin: germline.
Comment: This sequence change replaces alanine with threonine at codon 454 of the SMPD1 protein (p.Ala454Thr). The alanine residue is weakly conserved and there is a small physicochemical difference between alanine and threonine. This variant is present in population databases (rs144624998, ExAC 0.009%). This variant has not been reported in the literature in individuals affected with SMPD1-related conditions. Algorithms developed to predict the effect of missense changes on protein structure and function are either unavailable or do not agree on the potential impact of this missense change (SIFT: "Deleterious"; PolyPhen-2: "Possibly Damaging"; Align-GVGD: "Class C0"). In summary, the available evidence is currently insufficient to determine the role of this variant in disease. Therefore, it has been classified as a Variant of Uncertain Significance.

Natera, Inc.
Classification: Uncertain significance for Niemann-Pick Disease, Types A/B. Last evaluated: 2020-11-06. Review status: no assertion criteria provided. Collection method: clinical testing. Allele origin: germline. Not counted in ClinVar's aggregate classification.

NM_000543.5(SMPD1):c.1360G>A (p.Ala454Thr)

Gene: SMPD1 (sphingomyelin phosphodiesterase 1; plus strand). Cytogenetic location: 11p15.4.
Variant type: single nucleotide variant.
Coding change: c.1360G>A on transcript NM_000543.5 (MANE Select); coding-DNA position 1360, G replaced by A.
Protein change: p.Ala454Thr; replaces alanine 454 with threonine.
Molecular consequence: missense variant. On other transcripts: non-coding transcript variant (2).
Genome position (GRCh38, 1-based): chr11:6,393,915, G>A. VCF-style: chr11-6393915-G-A. GRCh37 (hg19) VCF-style: chr11-6415145-G-A.
Other names: c.1357G>A, p.Ala453Thr (NM_001007593.3); c.1360G>A, p.Ala454Thr (NM_001318087.2); c.439G>A, p.Ala147Thr (NM_001318088.2); c.1228G>A, p.Ala410Thr (NM_001365135.2); short protein forms A454T, A147T, A453T, A410T.
Identifiers: ClinVar variation 968813 (VCV000968813.8), dbSNP rs144624998, ClinGen allele CA5852884.